The following is an entry in ClinVar:

NM_000503.6(EYA1):c.1758_1775dup (p.Leu592_Ter593insLeuGluLeuGluTyrLeu)

Gene: EYA1 (EYA transcriptional coactivator and phosphatase 1; minus strand). Cytogenetic location: 8q13.3.
Variant type: Duplication.
Coding change: c.1758_1775dup on transcript NM_000503.6 (MANE Select); coding-DNA positions 1758 to 1775, 18 bases duplicated (CTTGGAACTGGAGTACCT).
Protein change: p.Leu592_Ter593insLeuGluLeuGluTyrLeu.
Genome position (GRCh38, 1-based): chr8:71,199,344-71,199,361, AGGTACTCCAGTTCCAAG duplicated on the plus strand (CTTGGAACTGGAGTACCT on the coding strand, the reverse complement: EYA1 is on the minus strand). VCF-style (leftmost placement, unchanged base first): chr8-71199343-C-CAGGTACTCCAGTTCCAAG. GRCh37 (hg19) VCF-style: chr8-72111578-C-CAGGTACTCCAGTTCCAAG.
Other names: c.1392_1409dup, p.Leu470_Ter471insLeuGluLeuGluTyrLeu (NM_001288575.2); c.1845_1862dup, p.Leu621_Ter622insLeuGluLeuGluTyrLeu (NM_001370333.1); c.1740_1757dup, p.Leu586_Ter587insLeuGluLeuGluTyrLeu (NM_001288574.2, NM_172059.5); c.1758_1775dup, p.Leu592_Ter593insLeuGluLeuGluTyrLeu (NM_001370334.1, NM_001370335.1, NM_172058.4); c.1737_1754dup, p.Leu585_Ter586insLeuGluLeuGluTyrLeu (NM_001370336.1); c.1659_1676dup, p.Leu559_Ter560insLeuGluLeuGluTyrLeu (NM_001411797.1, NM_172060.4).
Identifiers: ClinVar variation 3658670 (VCV003658670.2).
Genomic context (GRCh38, chr8:71,199,343, plus strand): 5'-TGCTGGATCTGTCCCTGGTCACAGAGCAGCTGTGCGCTGTCAAAGTGCCGAGCGCTGTTA[C>CAGGTACTCCAGTTCCAAG]AGGTACTCCAGTTCCAAGGCATGGTGCAGGGCCATGAGGTCCGAGTGGCTGGAGATCCTC-3'

ClinVar aggregate classification (germline): Likely pathogenic (1 of 4 stars; one submission).

Conditions:
Melnick-Fraser syndrome (BOR). Also called: Branchiootorenal syndrome; Branchio-oto-renal syndrome; Branchiootorenal Syndrome (BORS). Identifiers: Orphanet 107, MedGen C0265234, MONDO:0007029.

Submission:

Labcorp Genetics (formerly Invitae), Labcorp
Classification: Likely pathogenic for Melnick-Fraser syndrome. Last evaluated: 2024-10-24. Review status: criteria provided, single submitter. Criteria: Invitae Variant Classification Sherloc (09022015). Collection method: clinical testing. Allele origin: germline.
Comment: This sequence change disrupts the translational stop signal of the EYA1 mRNA. It is expected to extend the length of the EYA1 protein by 6 additional amino acid residues. This variant is not present in population databases (gnomAD no frequency). This protein extension has been observed in individual(s) with branchiootorenal syndrome (internal data). In at least one individual the variant was observed to be de novo. Experimental studies and prediction algorithms are not available or were not evaluated, and the functional significance of this variant is currently unknown. In summary, the currently available evidence indicates that the variant is pathogenic, but additional data are needed to prove that conclusively. Therefore, this variant has been classified as Likely Pathogenic.